The following is an entry in ClinVar:

ClinVar aggregate classification (germline): Uncertain significance (1 of 4 stars; one submission).

Conditions:
PLXNA4-related disorder. Also called: PLXNA4-related condition.

Submission:

PreventionGenetics, part of Exact Sciences
Classification: Uncertain significance for PLXNA4-related condition. Last evaluated: 2026-09-17. Review status: criteria provided, single submitter. Criteria: ACMG Guidelines, 2015. Collection method: clinical testing. Allele origin: germline.
Comment: The PLXNA4 c.5413C>A variant is predicted to result in the amino acid substitution p.Pro1805Thr. To our knowledge, this variant has not been reported in the literature or in a large population database (gnomAD), indicating this variant is rare. At this time, the clinical significance of this variant is uncertain due to the absence of conclusive functional and genetic evidence.

NM_020911.2(PLXNA4):c.5413C>A (p.Pro1805Thr)

Gene: PLXNA4 (plexin A4; minus strand). Cytogenetic location: 7q32.3.
Variant type: single nucleotide variant.
Coding change: c.5413C>A on transcript NM_020911.2 (MANE Select); coding-DNA position 5413, C replaced by A.
Protein change: p.Pro1805Thr; replaces proline 1805 with threonine.
Molecular consequence: missense variant.
Genome position (GRCh38, 1-based): chr7:132,140,624, G>T on the plus strand (C>A on the coding strand, the complement: PLXNA4 is on the minus strand). VCF-style: chr7-132140624-G-T. GRCh37 (hg19) VCF-style: chr7-131825383-G-T.
Other names: c.5413C>A, p.Pro1805Thr (NM_001393897.1); short protein forms P1805T.
Identifiers: ClinVar variation 4991166 (VCV004991166.1).
Genomic context (GRCh38, chr7:132,140,624, plus strand): 5'-GGGGCCCTGACTTGGCTCCGTGGCCCAGCACTCACCTCTCCACCCAATTCTTGTAGCTGG[G>T]GATGTCCTTGGCATACAGCAGCTTGTTGGAGGGCGAGTCCTTGCCCAGCCGGTGCTCTGA-3'
Protein context (NP_065962.1, residues 1795-1815): SNKLLYAKDI[Pro1805Thr]SYKNWVERYY